The following is an entry in ClinVar:

ClinVar aggregate classification (germline): Uncertain significance (1 of 4 stars; one submission).

Submission:

Labcorp Genetics (formerly Invitae), Labcorp
Classification: Uncertain significance. Last evaluated: 2023-05-22. Review status: criteria provided, single submitter. Criteria: Invitae Variant Classification Sherloc (09022015). Collection method: clinical testing. Allele origin: germline.
Comment: In summary, the available evidence is currently insufficient to determine the role of this variant in disease. Therefore, it has been classified as a Variant of Uncertain Significance. This sequence change replaces leucine, which is neutral and non-polar, with phenylalanine, which is neutral and non-polar, at codon 825 of the CTNNA1 protein (p.Leu825Phe). This variant is not present in population databases (gnomAD no frequency). This variant has not been reported in the literature in individuals affected with CTNNA1-related conditions. Advanced modeling of protein sequence and biophysical properties (such as structural, functional, and spatial information, amino acid conservation, physicochemical variation, residue mobility, and thermodynamic stability) performed at Invitae indicates that this missense variant is expected to disrupt CTNNA1 protein function.

NM_001903.5(CTNNA1):c.2475G>C (p.Leu825Phe)

Gene: CTNNA1 (catenin alpha 1; plus strand). Cytogenetic location: 5q31.2.
Variant type: single nucleotide variant.
Coding change: c.2475G>C on transcript NM_001903.5 (MANE Select); coding-DNA position 2475, G replaced by C.
Protein change: p.Leu825Phe; replaces leucine 825 with phenylalanine.
Molecular consequence: missense variant. On other transcripts: 3 prime UTR variant (5).
Genome position (GRCh38, 1-based): chr5:138,933,843, G>C. VCF-style: chr5-138933843-G-C. GRCh37 (hg19) VCF-style: chr5-138269532-G-C.
Other names: c.*20G>C (NM_001290307.3, NM_001324002.1, NM_001324003.1 and 2 more transcripts); c.2166G>C, p.Leu722Phe (NM_001290309.3); c.2106G>C, p.Leu702Phe (NM_001290310.3); c.1365G>C, p.Leu455Phe (NM_001290312.1, NM_001323997.1, NM_001323998.1 and 12 more transcripts); c.2475G>C, p.Leu825Phe (NM_001323982.2, NM_001323983.1, NM_001323984.2); c.2448G>C, p.Leu816Phe (NM_001323985.2); c.2382G>C, p.Leu794Phe (NM_001323986.2); c.1230G>C, p.Leu410Phe (NM_001324001.1); and 3 more; short protein forms L455F, L825F, L410F, L424F, L702F, L722F, L794F, L374F.
Identifiers: ClinVar variation 2808408 (VCV002808408.3), dbSNP rs2533948724, ClinGen allele CA361135098.
Genomic context (GRCh38, chr5:138,933,843, plus strand): 5'-ACCCCTGTCTGCCTCGTAGGTGGACAGCGCCATGTCCCTGATCCAGGCAGCCAAGAACTT[G>C]ATGAATGCTGTGGTGCAGACAGTGAAGGCATCCTACGTCGCCTCTACCAAATACCAAAAG-3'
Protein context (NP_001894.2, residues 815-835): AMSLIQAAKN[Leu825Phe]MNAVVQTVKA